The following is an entry in ClinVar:

ClinVar aggregate classification (germline): Likely benign (1 of 4 stars; one submission).

Allele frequency attached by ClinVar (database versions not stated): gnomAD exomes 0.00001 and 0.00002.
gnomAD v4.1: 5 of 1,569,422 alleles (0.00032%); highest among the groups gnomAD compares: Admixed American, 0.0092%; no homozygotes.

Submission:

GeneDx
Classification: Likely benign. Last evaluated: 2017-02-28. Review status: criteria provided, single submitter. Criteria: GeneDx Variant Classification (06012015). Collection method: clinical testing. Allele origin: germline. Affected: yes.
Comment: This variant is considered likely benign or benign based on one or more of the following criteria: it is a conservative change, it occurs at a poorly conserved position in the protein, it is predicted to be benign by multiple in silico algorithms, and/or has population frequency not consistent with disease.

NM_004550.5(NDUFS2):c.-45T>C

Genes: NDUFS2 (NADH:ubiquinone oxidoreductase core subunit S2; plus strand), LOC129931761 (ATAC-STARR-seq lymphoblastoid active region 1985; plus strand). Cytogenetic location: 1q23.3.
Variant type: single nucleotide variant.
Coding change: c.-45T>C on transcript NM_004550.5; 45 bases upstream of the start codon, T replaced by C.
Molecular consequence: 5 prime UTR variant.
Genome position (GRCh38, 1-based): chr1:161,202,341, T>C. VCF-style: chr1-161202341-T-C. GRCh37 (hg19) VCF-style: chr1-161172131-T-C.
Other names: c.-45T>C (NM_001377301.1, NM_001377298.1, NM_001377300.1).
Identifiers: ClinVar variation 507519 (VCV000507519.3), dbSNP rs1357194571, ClinGen allele CA526871767.